The following is an entry in ClinVar:

ClinVar aggregate classification (germline): Uncertain significance. Review status: criteria provided, multiple submitters, no conflicts (2 of 4 stars). 3 submissions from 3 submitters: Uncertain significance (3). Last evaluated 2025-06-30.

Conditions:
Mosaic variegated aneuploidy syndrome 1 (MVA1). Also called: Warburton-Anyane-Yeboa syndrome. Identifiers: Orphanet 1052, MedGen C1850343, MONDO:0009759, OMIM 257300.
Premature chromatid separation trait (PCS). Also called: TOTAL PREMATURE CHROMATID SEPARATION TRAIT. Identifiers: MedGen C1864389, MONDO:0008304, OMIM 176430.
Colorectal cancer. Also called: Colorectal cancer, somatic; Malignant Colorectal Neoplasm. Identifiers: MedGen C0346629, MONDO:0005575, OMIM 114500.
Mosaic variegated aneuploidy syndrome. Also called: MVA SYNDROME. Identifiers: Orphanet 1052, MedGen C4551972, MONDO:0000141.

Allele frequency attached by ClinVar (database versions not stated): gnomAD exomes below 0.00001; gnomAD 0.00001.
gnomAD v4.1: 6 of 1,613,512 alleles (0.00037%); highest among the groups gnomAD compares: East Asian, 0.0045%; no homozygotes.

Submissions (3):

Labcorp Genetics (formerly Invitae), Labcorp
Classification: Uncertain significance for Mosaic variegated aneuploidy syndrome 1. Last evaluated: 2025-06-30. Review status: criteria provided, single submitter. Criteria: Invitae Variant Classification Sherloc (09022015). Collection method: clinical testing. Allele origin: germline.
Comment: This sequence change replaces tyrosine, which is neutral and polar, with cysteine, which is neutral and slightly polar, at codon 81 of the BUB1B protein (p.Tyr81Cys). This variant is present in population databases (no rsID available, gnomAD 0.06%). This variant has not been reported in the literature in individuals affected with BUB1B-related conditions. ClinVar contains an entry for this variant (Variation ID: 465370). An algorithm developed to predict the effect of missense changes on protein structure and function (PolyPhen-2) suggests that this variant is likely to be disruptive. In summary, the available evidence is currently insufficient to determine the role of this variant in disease. Therefore, it has been classified as a Variant of Uncertain Significance.

St. Jude Molecular Pathology, St. Jude Children's Research Hospital
Classification: Uncertain significance for Mosaic variegated aneuploidy syndrome. Last evaluated: 2021-09-22. Review status: criteria provided, single submitter. Criteria: St. Jude Assertion Criteria 2020. Collection method: clinical testing. Allele origin: germline.
Comment: The BUB1B c.242A>G (p.Tyr81Cys) missense change has a maximum subpopulation frequency of 0.019% in gnomAD v3.1.1 (PM2_supporting). Six of seven in silico tools predict a deleterious effect of this variant on protein function (PP3), but to our knowledge these predictions have not been confirmed by functional assays. This variant was reported in a hepatocellular carcinoma but was not present in the patient's germline (PMID: 22561517). To our knowledge, this variant has not been reported in individuals with mosaic variegated aneuploidy syndrome. In summary, this variant meets criteria to be classified as of uncertain significance based on the ACMG/AMP criteria: PM2_supporting, PP3.

Fulgent Genetics
Classification: Uncertain significance for Colorectal cancer; Premature chromatid separation trait; Mosaic variegated aneuploidy syndrome 1. Last evaluated: 2021-09-01. Review status: criteria provided, single submitter. Criteria: ACMG Guidelines, 2015. Collection method: clinical testing. Allele origin: unknown.

NM_001211.6(BUB1B):c.242A>G (p.Tyr81Cys)

Gene: BUB1B (BUB1 mitotic checkpoint serine/threonine kinase B; plus strand). Cytogenetic location: 15q15.1.
Variant type: single nucleotide variant.
Coding change: c.242A>G on transcript NM_001211.6 (MANE Select); coding-DNA position 242, A replaced by G.
Protein change: p.Tyr81Cys; replaces tyrosine 81 with cysteine.
Molecular consequence: missense variant.
Genome position (GRCh38, 1-based): chr15:40,170,539, A>G. VCF-style: chr15-40170539-A-G. GRCh37 (hg19) VCF-style: chr15-40462740-A-G.
Other names: short protein forms Y81C.
Identifiers: ClinVar variation 465370 (VCV000465370.14), dbSNP rs1212671249, ClinGen allele CA391678847.
Genomic context (GRCh38, chr15:40,170,539, plus strand): 5'-AAGAACAAAAGTACATGTTCAATTTAAAATGTGTTCTTATCTTTTTCCTCCCATTTAGGT[A>G]TATCAGCTGGACAGAGCAGAACTATCCTCAAGGTGGGAAGGAGAGTAATATGTCAACGTT-3'
Protein context (NP_001202.5, residues 71-91): GNDPLDVWDR[Tyr81Cys]ISWTEQNYPQ